The following is an entry in ClinVar:

NM_001572.5(IRF7):c.766+5G>A

Gene: IRF7 (interferon regulatory factor 7; minus strand). Cytogenetic location: 11p15.5.
Variant type: single nucleotide variant.
Coding change: c.766+5G>A on transcript NM_001572.5 (MANE Select); 5 bases into the intron after coding-DNA position 766, G replaced by A.
Molecular consequence: intron variant.
Genome position (GRCh38, 1-based): chr11:613,946, C>T on the plus strand (G>A on the coding strand, the complement: IRF7 is on the minus strand). VCF-style: chr11-613946-C-T. GRCh37 (hg19) VCF-style: chr11-613946-C-T.
Other names: c.680-81G>A (NM_004029.4); c.805+5G>A (NM_004031.4).
Identifiers: ClinVar variation 2030991 (VCV002030991.4), dbSNP rs1227468144, ClinGen allele CA2580084782.
Genomic context (GRCh38, chr11:613,946, plus strand): 5'-TGTGCTGGCACCTCATCCCTAGCCTCTCCCTGTGCCCCAGGCCTCCCAACCCCTACCCCT[C>T]TCACCTGTCGTTAGTGCCGCGGGCTGGGGCCCGGGGCTGGGGGTCGTCTCTACTGCCCAC-3'

ClinVar aggregate classification (germline): Uncertain significance (1 of 4 stars; one submission).

Conditions:
Immunodeficiency 39 (IMD39). Identifiers: Orphanet 574918, MedGen C4225358, MONDO:0014597, OMIM 616345.

gnomAD v4.1: 2 of 1,606,376 alleles (0.00012%); highest among the groups gnomAD compares: Non-Finnish European, 0.00017%; no homozygotes.

Submission:

Labcorp Genetics (formerly Invitae), Labcorp
Classification: Uncertain significance for Immunodeficiency 39. Last evaluated: 2022-09-17. Review status: criteria provided, single submitter. Criteria: Invitae Variant Classification Sherloc (09022015). Collection method: clinical testing. Allele origin: germline.
Comment: This variant has not been reported in the literature in individuals affected with IRF7-related conditions. In summary, the available evidence is currently insufficient to determine the role of this variant in disease. Therefore, it has been classified as a Variant of Uncertain Significance. Variants that disrupt the consensus splice site are a relatively common cause of aberrant splicing (PMID: 17576681, 9536098). Algorithms developed to predict the effect of sequence changes on RNA splicing suggest that this variant may disrupt the consensus splice site. This variant is not present in population databases (gnomAD no frequency). This sequence change falls in intron 5 of the IRF7 gene. It does not directly change the encoded amino acid sequence of the IRF7 protein. It affects a nucleotide within the consensus splice site.

Literature cited by the submitters: PubMed 17576681; PubMed 9536098.